The following is an entry in ClinVar:

NM_002880.4(RAF1):c.310G>A (p.Glu104Lys)

Gene: RAF1 (Raf-1 proto-oncogene, serine/threonine kinase; minus strand). Cytogenetic location: 3p25.2.
Variant type: single nucleotide variant.
Coding change: c.310G>A on transcript NM_002880.4 (MANE Select); coding-DNA position 310, G replaced by A.
Protein change: p.Glu104Lys; replaces glutamic acid 104 with lysine.
Molecular consequence: missense variant. On other transcripts: non-coding transcript variant (3), intron variant (4).
Genome position (GRCh38, 1-based): chr3:12,611,960, C>T on the plus strand (G>A on the coding strand, the complement: RAF1 is on the minus strand). VCF-style: chr3-12611960-C-T. GRCh37 (hg19) VCF-style: chr3-12653459-C-T.
Other names: c.310G>A, p.Glu104Lys (NM_001354689.3, NM_001354690.3, NM_001354693.3); c.78-2625G>A (NM_001354695.3, NM_001354692.3, NM_001354694.3 and 1 more transcripts); short protein forms E104K.
Identifiers: ClinVar variation 2042033 (VCV002042033.7), dbSNP rs896491732, ClinGen allele CA69624763.

ClinVar aggregate classification (germline): Uncertain significance. Review status: criteria provided, multiple submitters, no conflicts (2 of 4 stars). 3 submissions from 3 submitters: Uncertain significance (2). 1 of the submissions does not count toward it. Last evaluated 2025-11-21.

Conditions:
RAF1-related disorder. Also called: RAF1-related condition; RAF1-related disorders.
RASopathy. Also called: Noonan spectrum disorder; rasopathies. Identifiers: Orphanet 536391, MedGen C5555857, MONDO:0021060.

Allele frequency attached by ClinVar (database versions not stated): gnomAD 0.00001.
gnomAD v4.1: 7 of 1,613,838 alleles (0.00043%); highest among the groups gnomAD compares: South Asian, 0.0022%; no homozygotes.

Submissions (3):

Labcorp Genetics (formerly Invitae), Labcorp
Classification: Uncertain significance for RASopathy. Last evaluated: 2025-11-21. Review status: criteria provided, single submitter. Criteria: Invitae Variant Classification Sherloc (09022015). Collection method: clinical testing. Allele origin: germline.
Comment: This sequence change replaces glutamic acid, which is acidic and polar, with lysine, which is basic and polar, at codon 104 of the RAF1 protein (p.Glu104Lys). This variant is present in population databases (no rsID available, gnomAD 0.004%). This variant has not been reported in the literature in individuals affected with RAF1-related conditions. ClinVar contains an entry for this variant (Variation ID: 2042033). Invitae Evidence Modeling of protein sequence and biophysical properties (such as structural, functional, and spatial information, amino acid conservation, physicochemical variation, residue mobility, and thermodynamic stability) indicates that this missense variant is not expected to disrupt RAF1 protein function with a negative predictive value of 95%. In summary, the available evidence is currently insufficient to determine the role of this variant in disease. Therefore, it has been classified as a Variant of Uncertain Significance.

Blueprint Genetics
Classification: Uncertain significance. Last evaluated: 2023-11-22. Review status: criteria provided, single submitter. Criteria: ACMG Guidelines, 2015. Collection method: clinical testing. Allele origin: germline.

PreventionGenetics, part of Exact Sciences
Classification: Uncertain significance for RAF1-related condition. Last evaluated: 2024-08-02. Review status: no assertion criteria provided. Collection method: clinical testing. Allele origin: germline. Not counted in ClinVar's aggregate classification.
Comment: The RAF1 c.310G>A variant is predicted to result in the amino acid substitution p.Glu104Lys. To our knowledge, this variant has not been reported in the literature. This variant is reported in 0.0046% of alleles in individuals of European (Finnish) descent in gnomAD. At this time, the clinical significance of this variant is uncertain due to the absence of conclusive functional and genetic evidence.